The following is an entry in ClinVar:

ClinVar aggregate classification (germline): Conflicting classifications of pathogenicity. Review status: criteria provided, conflicting classifications (1 of 4 stars). 4 submissions from 4 submitters: Uncertain significance (3); Likely benign (1). Last evaluated 2026-05-11.

Conditions:
Cardiovascular phenotype. Identifiers: MedGen CN230736.
Familial hypercholesterolemia. Also called: Familial hypercholesterolemias; Familial hypercholesterolaemia. Identifiers: MedGen C0020445, MONDO:0005439.
Hypercholesterolemia, autosomal dominant, 3 (FHCL3). Also called: Familial Hypercholesterolemia, Autosomal Dominant, 3; PCSK9-Related Familial Hypercholesterolemia, Autosomal Dominant; Familial hypercholesterolemia 3. Identifiers: MedGen C1863551, MONDO:0011369, OMIM 603776.

Allele frequency attached by ClinVar (database versions not stated): gnomAD 0.00002 and 0.00001; ExAC 0.00006; TOPMed 0.00001; ESP Exome Variant Server 0.00008; gnomAD exomes 0.00004.
gnomAD v4.1: 26 of 1,613,832 alleles (0.0016%); highest among the groups gnomAD compares: South Asian, 0.012%; no homozygotes.

Submissions (4):

Women's Health and Genetics/Laboratory Corporation of America, LabCorp
Classification: Likely benign. Last evaluated: 2026-05-11. Review status: criteria provided, single submitter. Criteria: LabCorp Variant Classification Summary - May 2015. Collection method: clinical testing. Allele origin: germline.
Comment: Variant summary: PCSK9 c.1211C>T (p.Pro404Leu) results in a non-conservative amino acid change in the encoded protein sequence. Algorithms developed to predict the effect of missense changes on protein structure and function all suggest that this variant is likely to be disruptive. The variant allele was found at a frequency of 4.4e-05 in 251176 control chromosomes. The observed variant frequency exceeds the estimated maximal expected allele frequency for disease-causing variants in PCSK9. To our knowledge, no occurrence of c.1211C>T in individuals affected with PCSK9-related conditions and no experimental evidence demonstrating its impact on protein function have been reported. ClinVar contains an entry for this variant (Variation ID: 630158). Based on the evidence outlined above, the variant was classified as likely benign.

Ambry Genetics
Classification: Uncertain significance for Cardiovascular phenotype. Last evaluated: 2025-08-12. Review status: criteria provided, single submitter. Criteria: Ambry Variant Classification Scheme 2023. Collection method: clinical testing. Allele origin: germline.
Comment: The p.P404L variant (also known as c.1211C>T), located in coding exon 8 of the PCSK9 gene, results from a C to T substitution at nucleotide position 1211. The proline at codon 404 is replaced by leucine, an amino acid with similar properties. This amino acid position is conserved. In addition, the in silico prediction for this alteration is inconclusive. Since supporting evidence is limited at this time, the clinical significance of this alteration remains unclear.

Color Diagnostics, LLC DBA Color Health
Classification: Uncertain significance for Familial hypercholesterolemia. Last evaluated: 2024-06-24. Review status: criteria provided, single submitter. Criteria: ACMG Guidelines, 2015. Collection method: clinical testing. Allele origin: germline.
Comment: This missense variant replaces proline with leucine at codon 404 of the PCSK9 protein. Computational prediction tools indicate that this variant has a neutral impact on protein structure and function. To our knowledge, functional studies have not been reported for this variant. This variant has not been reported in individuals affected with PCSK9-related disorders in the literature. This variant has been identified in 11/251176 chromosomes in the general population by the Genome Aggregation Database (gnomAD). The available evidence is insufficient to determine the role of this variant in disease conclusively. Therefore, this variant is classified as a Variant of Uncertain Significance.

All of Us Research Program, National Institutes of Health
Classification: Uncertain significance for Hypercholesterolemia, autosomal dominant, 3. Last evaluated: 2024-05-09. Review status: criteria provided, single submitter. Criteria: ACMG Guidelines, 2015. Collection method: clinical testing. Allele origin: germline. Inheritance: Autosomal dominant inheritance. Observed: 3 variant alleles, 3 heterozygotes.
Comment: Variant of Uncertain Significance due to insufficient evidence: This missense variant is located in the catalytic peptidase domain of the PCSK9 protein. Computational prediction tools and conservation analyses are inconclusive regarding the impact of this variant on the protein function. Computational splicing tools suggest that this variant may not impact RNA splicing. To our knowledge, functional assays have not been performed for this variant nor has this variant been reported in individuals affected with familial hypercholesterolemia in the literature. This variant has been identified in 11/246002 chromosomes in the general population by the Genome Aggregation Database (gnomAD). Available evidence is insufficient to determine the pathogenicity of this variant conclusively.

This study involves interpretation of variants in research participants for the purpose of population health screening. Participant phenotype was not available at the time of variant classification. Additional details can be found in publication PMID: 35346344, PMCID: PMC8962531

NM_174936.4(PCSK9):c.1211C>T (p.Pro404Leu)

Gene: PCSK9 (proprotein convertase subtilisin/kexin type 9; plus strand). Cytogenetic location: 1p32.3.
Variant type: single nucleotide variant.
Coding change: c.1211C>T on transcript NM_174936.4 (MANE Select); coding-DNA position 1211, C replaced by T.
Protein change: p.Pro404Leu; replaces proline 404 with leucine.
Molecular consequence: missense variant.
Genome position (GRCh38, 1-based): chr1:55,058,066, C>T. VCF-style: chr1-55058066-C-T. GRCh37 (hg19) VCF-style: chr1-55523739-C-T.
Other names: c.1334C>T, p.Pro445Leu (NM_001407240.1); c.1211C>T, p.Pro404Leu (NM_001407241.1); c.1214C>T, p.Pro405Leu (NM_001407242.1); c.1154C>T, p.Pro385Leu (NM_001407243.1); c.1019C>T, p.Pro340Leu (NM_001407245.1); c.836C>T, p.Pro279Leu (NM_001407246.1); short protein forms P404L, P445L, P340L, P385L, P405L, P279L.
Identifiers: ClinVar variation 630158 (VCV000630158.11), dbSNP rs140072072, ClinGen allele CA035888.